The following is an entry in ClinVar:

ClinVar aggregate classification (germline): Uncertain significance (1 of 4 stars; one submission).

gnomAD v4.1: 2 of 1,613,844 alleles (0.00012%); highest among the groups gnomAD compares: Non-Finnish European, 0.000085%; no homozygotes.

Submission:

Labcorp Genetics (formerly Invitae), Labcorp
Classification: Uncertain significance. Last evaluated: 2022-10-28. Review status: criteria provided, single submitter. Criteria: Invitae Variant Classification Sherloc (09022015). Collection method: clinical testing. Allele origin: germline.
Comment: In summary, the available evidence is currently insufficient to determine the role of this variant in disease. Therefore, it has been classified as a Variant of Uncertain Significance. Advanced modeling of protein sequence and biophysical properties (such as structural, functional, and spatial information, amino acid conservation, physicochemical variation, residue mobility, and thermodynamic stability) performed at Invitae indicates that this missense variant is expected to disrupt TWNK protein function. This variant has not been reported in the literature in individuals affected with TWNK-related conditions. This variant is not present in population databases (gnomAD no frequency). This sequence change replaces proline, which is neutral and non-polar, with serine, which is neutral and polar, at codon 292 of the TWNK protein (p.Pro292Ser).

NM_021830.5(TWNK):c.874C>T (p.Pro292Ser)

Gene: TWNK (twinkle mtDNA helicase; plus strand). Cytogenetic location: 10q24.31.
Variant type: single nucleotide variant.
Coding change: c.874C>T on transcript NM_021830.5 (MANE Select); coding-DNA position 874, C replaced by T.
Protein change: p.Pro292Ser; replaces proline 292 with serine.
Molecular consequence: missense variant. On other transcripts: non-coding transcript variant (4), intron variant (3).
Genome position (GRCh38, 1-based): chr10:100,989,084, C>T. VCF-style: chr10-100989084-C-T. GRCh37 (hg19) VCF-style: chr10-102748841-C-T.
Other names: c.874C>T, p.Pro292Ser (NM_001163812.2); c.-119-560C>T (NM_001163814.2, NM_001163813.2); c.-57-622C>T (NM_001368275.1); short protein forms P292S.
Identifiers: ClinVar variation 2979703 (VCV002979703.3), dbSNP rs759603316, ClinGen allele CA378208743.